The following is an entry in ClinVar:

ClinVar aggregate classification (germline): Uncertain significance (1 of 4 stars; one submission).

Submission:

Ambry Genetics
Classification: Uncertain significance. Last evaluated: 2025-08-09. Review status: criteria provided, single submitter. Criteria: Ambry Variant Classification Scheme 2023. Collection method: clinical testing. Allele origin: germline.
Comment: The p.D643N variant (also known as c.1927G>A), located in coding exon 2 of the CDK12 gene, results from a G to A substitution at nucleotide position 1927. The aspartic acid at codon 643 is replaced by asparagine, an amino acid with highly similar properties. This amino acid position is conserved. In addition, this alteration is predicted to be tolerated by in silico analysis. Based on the available evidence, the clinical significance of this variant remains unclear.

NM_016507.4(CDK12):c.1927G>A (p.Asp643Asn)

Gene: CDK12 (cyclin dependent kinase 12; plus strand). Cytogenetic location: 17q12.
Variant type: single nucleotide variant.
Coding change: c.1927G>A on transcript NM_016507.4 (MANE Select); coding-DNA position 1927, G replaced by A.
Protein change: p.Asp643Asn; replaces aspartic acid 643 with asparagine.
Molecular consequence: missense variant.
Genome position (GRCh38, 1-based): chr17:39,471,759, G>A. VCF-style: chr17-39471759-G-A. GRCh37 (hg19) VCF-style: chr17-37628012-G-A.
Other names: c.1927G>A, p.Asp643Asn (NM_015083.4); short protein forms D643N.
Identifiers: ClinVar variation 4224363 (VCV004224363.1).